The following is an entry in ClinVar:

ClinVar aggregate classification (germline): Uncertain significance (1 of 4 stars; one submission).

Conditions:
Pyridoxine-dependent epilepsy (EPEO4). Also called: PYRIDOXINE DEPENDENCY WITH SEIZURES; Pyridoxine-Dependent Epilepsy - ALDH7A1; EPILEPSY, EARLY-ONSET, 4, VITAMIN B6-DEPENDENT; Pyridoxine-Dependent Seizures. Identifiers: Orphanet 3006, MedGen C1849508, MONDO:0009945, OMIM 266100. Disease mechanism: loss of function.

Allele frequency attached by ClinVar (database versions not stated): TOPMed below 0.00001; gnomAD exomes below 0.00001.

Submission:

Labcorp Genetics (formerly Invitae), Labcorp
Classification: Uncertain significance for Pyridoxine-dependent epilepsy. Last evaluated: 2021-08-24. Review status: criteria provided, single submitter. Criteria: Invitae Variant Classification Sherloc (09022015). Collection method: clinical testing. Allele origin: germline.
Comment: This sequence change replaces tryptophan with cysteine at codon 217 of the ALDH7A1 protein (p.Trp217Cys). The tryptophan residue is highly conserved and there is a large physicochemical difference between tryptophan and cysteine. This variant is not present in population databases (ExAC no frequency). This variant has not been reported in the literature in individuals affected with ALDH7A1-related conditions. Algorithms developed to predict the effect of missense changes on protein structure and function are either unavailable or do not agree on the potential impact of this missense change (SIFT: "Deleterious"; PolyPhen-2: "Probably Damaging"; Align-GVGD: "Class C0"). Algorithms developed to predict the effect of sequence changes on RNA splicing suggest that this variant may disrupt the consensus splice site. In summary, the available evidence is currently insufficient to determine the role of this variant in disease. Therefore, it has been classified as a Variant of Uncertain Significance.

NM_001182.5(ALDH7A1):c.651G>C (p.Trp217Cys)

Gene: ALDH7A1 (aldehyde dehydrogenase 7 family member A1; minus strand). Cytogenetic location: 5q23.2.
Variant type: single nucleotide variant.
Coding change: c.651G>C on transcript NM_001182.5 (MANE Select); coding-DNA position 651, G replaced by C.
Protein change: p.Trp217Cys; replaces tryptophan 217 with cysteine.
Molecular consequence: missense variant.
Genome position (GRCh38, 1-based): chr5:126,575,464, C>G on the plus strand (G>C on the coding strand, the complement: ALDH7A1 is on the minus strand). VCF-style: chr5-126575464-C-G. GRCh37 (hg19) VCF-style: chr5-125911156-C-G.
Other names: c.567G>C, p.Trp189Cys (NM_001201377.2); c.651G>C, p.Trp217Cys (NM_001202404.2); short protein forms W189C, W217C.
Identifiers: ClinVar variation 1001906 (VCV001001906.7), dbSNP rs1750933255, ClinGen allele CA360730445.